The following is an entry in ClinVar:

NM_000264.5(PTCH1):c.97C>T (p.Arg33Cys)

Genes: PTCH1 (patched 1; minus strand), LOC130002133 (ATAC-STARR-seq lymphoblastoid silent region 20071; plus strand). Cytogenetic location: 9q22.32.
Variant type: single nucleotide variant.
Coding change: c.97C>T on transcript NM_000264.5 (MANE Select); coding-DNA position 97, C replaced by T.
Protein change: p.Arg33Cys; replaces arginine 33 with cysteine.
Molecular consequence: missense variant. On other transcripts: non-coding transcript variant (1), intron variant (3).
Genome position (GRCh38, 1-based): chr9:95,508,265, G>A on the plus strand (C>T on the coding strand, the complement: PTCH1 is on the minus strand). VCF-style: chr9-95508265-G-A. GRCh37 (hg19) VCF-style: chr9-98270547-G-A.
Other names: c.97C>T, p.Arg33Cys (NM_001354918.2); c.199-1666C>T (NM_001083603.3); c.4-1666C>T (NM_001083602.3, NM_001354919.2); short protein forms R33C.
Identifiers: ClinVar variation 1768246 (VCV001768246.8), dbSNP rs1843899190, ClinGen allele CA374121431.

ClinVar aggregate classification (germline): Uncertain significance. Review status: criteria provided, multiple submitters, no conflicts (2 of 4 stars). 2 submissions from 2 submitters: Uncertain significance (2). Last evaluated 2024-10-14.

Conditions:
Hereditary cancer-predisposing syndrome. Also called: Tumor predisposition; Neoplastic Syndromes, Hereditary; Hereditary Cancer Syndrome; Hereditary neoplastic syndrome. Identifiers: Orphanet 140162, MedGen C0027672, MeSH D009386, MONDO:0015356.
Gorlin syndrome. Also called: Nevoid Basal Cell Carcinoma Syndrome; Basal cell nevus syndrome. Identifiers: Orphanet 377, MedGen C0004779, MONDO:0007187.

Allele frequency attached by ClinVar (database versions not stated): gnomAD exomes below 0.00001; TOPMed below 0.00001.
gnomAD v4.1: 1 of 1,577,366 alleles (0.000063%); highest among the groups gnomAD compares: Non-Finnish European, 0.000086%; no homozygotes.

Submissions (2):

Ambry Genetics
Classification: Uncertain significance for Hereditary cancer-predisposing syndrome. Last evaluated: 2024-10-14. Review status: criteria provided, single submitter. Criteria: Ambry Variant Classification Scheme 2023. Collection method: clinical testing. Allele origin: germline.
Comment: The p.R33C variant (also known as c.97C>T), located in coding exon 1 of the PTCH1 gene, results from a C to T substitution at nucleotide position 97. The arginine at codon 33 is replaced by cysteine, an amino acid with highly dissimilar properties. This amino acid position is highly conserved in available vertebrate species. In addition, the in silico prediction for this alteration is inconclusive. Based on the available evidence, the clinical significance of this variant remains unclear.

Labcorp Genetics (formerly Invitae), Labcorp
Classification: Uncertain significance for Gorlin syndrome. Last evaluated: 2022-10-27. Review status: criteria provided, single submitter. Criteria: Invitae Variant Classification Sherloc (09022015). Collection method: clinical testing. Allele origin: germline.
Comment: This sequence change replaces arginine, which is basic and polar, with cysteine, which is neutral and slightly polar, at codon 33 of the PTCH1 protein (p.Arg33Cys). In summary, the available evidence is currently insufficient to determine the role of this variant in disease. Therefore, it has been classified as a Variant of Uncertain Significance. Advanced modeling of protein sequence and biophysical properties (such as structural, functional, and spatial information, amino acid conservation, physicochemical variation, residue mobility, and thermodynamic stability) performed at Invitae indicates that this missense variant is not expected to disrupt PTCH1 protein function. This variant has not been reported in the literature in individuals affected with PTCH1-related conditions. This variant is not present in population databases (gnomAD no frequency).